The following is an entry in ClinVar:

NM_004415.4(DSP):c.6310del (p.Thr2104fs)

Gene: DSP (desmoplakin; plus strand). Cytogenetic location: 6p24.3.
Variant type: Deletion.
Coding change: c.6310del on transcript NM_004415.4 (MANE Select); coding-DNA position 6310, one base deleted (A; older notation c.6310delA).
Protein change: p.Thr2104fs; shifts the reading frame from threonine 2104.
Molecular consequence: frameshift variant.
Genome position (GRCh38, 1-based): chr6:7,583,572, A deleted. VCF-style (leftmost placement, unchanged base first): chr6-7583571-GA-G. GRCh37 (hg19) VCF-style: chr6-7583804-GA-G.
Other names: c.6310del (LRG_423t1, NM_004415.2); c.4513del, p.Thr1505fs (NM_001008844.3); c.4981del, p.Thr1661fs (NM_001319034.2); short protein forms T1505fs, T1661fs, T2104fs.
Identifiers: ClinVar variation 180343 (VCV000180343.12), dbSNP rs730880092, ClinGen allele CA006845.

ClinVar aggregate classification (germline): Pathogenic/Likely pathogenic. Review status: criteria provided, multiple submitters, no conflicts (2 of 4 stars). 7 submissions from 7 submitters: Pathogenic (5); Likely pathogenic (1). 1 of the submissions does not count toward it. Last evaluated 2026-05-13.

Conditions:
DSP-related disorder. Also called: DSP-related condition; DSP-related disorders.
Cardiovascular phenotype. Identifiers: MedGen CN230736.
Arrhythmogenic right ventricular dysplasia 8 (ARVD8). Also called: ARRHYTHMOGENIC RIGHT VENTRICULAR DYSPLASIA, FAMILIAL, 8; ARRHYTHMOGENIC RIGHT VENTRICULAR CARDIOMYOPATHY 8; Arrhythmogenic Right Ventricular Dysplasia/Cardiomyopathy 8. Identifiers: MedGen C1843896, MONDO:0011831, OMIM 607450.
Arrhythmogenic cardiomyopathy with wooly hair and keratoderma. Also called: PALMOPLANTAR KERATODERMA WITH LEFT VENTRICULAR CARDIOMYOPATHY AND WOOLLY HAIR; Dilated cardiomyopathy with woolly hair and keratoderma; Arrhythmogenic cardiomyopathy with woolly hair and keratoderma; Carvajal syndrome. Identifiers: Orphanet 65282, MedGen C1854063, MONDO:0011581, OMIM 605676.
Cardiomyopathy (CMYO). Also called: Cardiomyopathies. Identifiers: Orphanet 167848, MedGen C0878544, MONDO:0004994, HP:0001638. Inheritance: Various modes of inheritance.

Allele frequency attached by ClinVar (database versions not stated): ExAC 0.00003; gnomAD 0.00003; gnomAD exomes 0.00005.

Submissions (7):

Ambry Genetics
Classification: Pathogenic for Cardiovascular phenotype. Last evaluated: 2026-05-13. Review status: criteria provided, single submitter. Criteria: Ambry Variant Classification Scheme 2023. Collection method: clinical testing. Allele origin: germline.
Comment: The c.6310delA pathogenic mutation, located in coding exon 24 of the DSP gene, results from a deletion of one nucleotide at nucleotide position 6310, causing a translational frameshift with a predicted alternate stop codon (p.T2104Qfs*12). This variant was reported in individual(s) with features consistent with DSP-related cardiomyopathy (Mahoney MG et al. J Invest Dermatol, 2010 Apr;130:968-78; Vahlquist A et al. Clin Exp Dermatol, 2014 Jan;39:30-4; Akinrinade O et al. Eur Heart J, 2015 Sep;36:2327-37; Heli&ouml; K et al. BMC Med Genet, 2020 Jan;21:19). This alteration is expected to result in loss of function by premature protein truncation or nonsense-mediated mRNA decay. As such, this alteration is interpreted as a disease-causing mutation.

Color Diagnostics, LLC DBA Color Health
Classification: Likely pathogenic for Cardiomyopathy. Last evaluated: 2025-04-21. Review status: criteria provided, single submitter. Criteria: ACMG Guidelines, 2015. Collection method: clinical testing. Allele origin: germline.
Comment: This variant deletes 1 nucleotide in exon 24 of the DSP gene, creating a frameshift and premature translation stop signal in the last exon. This variant is expected to result in the expression of a truncated protein product lacking C-terminal plakin repeat domains that bind intermediate filaments. This variant has been reported in heterozygous state in ten unrelated Finnish individuals (PMID: 26084686, 32005173), including nine individuals affected with dilated cardiomyopathy, arrhythmogenic phenotype, and other cardiac abnormalities. It has been shown that this variant segregates with disease in multiple affected individuals across multiple familiesthis variant has also been reported in unaffected family members (PMID: 32005173). This variant has also been reported in the compound heterozygous state with another truncation or missense variant in the same gene in two individuals affected with severe cardiomyopathies and skin, hair, and/or tooth abnormalities (PMID: 19924139, 24341478). Desmoplakin was either not expressed or reduced in skin biopsies from the two individuals. Heterozygous family members were unaffected in both families. This variant has been identified in 13/251432 chromosomes (11/21648 Finnish European chromosomes) in the general population by the Genome Aggregation Database (gnomAD). Multiple truncations variants that lie downstream of this variant are known to cause arrhythmogenic right ventricular cardiomyopathy and dilated cardiomyopathy (ClinVar). Loss of DSP function is a known mechanism of disease. Based on the available evidence, this variant is classified as Likely Pathogenic.

Labcorp Genetics (formerly Invitae), Labcorp
Classification: Pathogenic for Arrhythmogenic cardiomyopathy with wooly hair and keratoderma; Arrhythmogenic right ventricular dysplasia 8. Last evaluated: 2024-02-21. Review status: criteria provided, single submitter. Criteria: Invitae Variant Classification Sherloc (09022015). Collection method: clinical testing. Allele origin: germline.
Comment: This sequence change creates a premature translational stop signal (p.Thr2104Glnfs*12) in the DSP gene. While this is not anticipated to result in nonsense mediated decay, it is expected to disrupt the last 768 amino acid(s) of the DSP protein. This variant is present in population databases (rs730880092, gnomAD 0.05%). This premature translational stop signal has been observed in individual(s) with clinical features of DSP-related conditions (PMID: 19924139, 24341478, 35653365). ClinVar contains an entry for this variant (Variation ID: 180343). This variant disrupts a region of the DSP protein in which other variant(s) (p.Glu2728Glyfs*11) have been determined to be pathogenic (Invitae). This suggests that this is a clinically significant region of the protein, and that variants that disrupt it are likely to be disease-causing. For these reasons, this variant has been classified as Pathogenic.

Blueprint Genetics
Classification: Pathogenic for DSP-related disorders. Last evaluated: 2024-01-30. Review status: criteria provided, single submitter. Criteria: ACMG Guidelines, 2015. Collection method: clinical testing. Allele origin: germline. Affected: yes. Observed: 5 variant alleles.

GeneDx
Classification: Pathogenic. Last evaluated: 2023-06-27. Review status: criteria provided, single submitter. Criteria: GeneDx Variant Classification Process June 2021. Collection method: clinical testing. Allele origin: germline. Affected: yes.
Comment: Observed with a second DSP variant in trans in individuals with cardiomyopathy, skin and hair phenotypes, and immunohistochemistry on a skin biopsy consistent with loss of desmoplakin expression (PMID: 24341478, 19924139); Segregates with disease in many affected individuals from several families with DCM and/or other DSP-related features in published literature, and is suggested to be a founder variant in the Finnish population (PMID: 37008330, 32005173); Frameshift variant predicted to result in protein truncation or nonsense mediated decay in a gene for which loss of function is a known mechanism of disease; This variant is associated with the following publications: (PMID: 34400560, 35445468, 36142674, 29633331, 19924139, 33132336, 34343150, 35653365, 26084686, 36580316, 32005173, 37008330, 24341478)

Victorian Clinical Genetics Services, Murdoch Childrens Research Institute
Classification: Pathogenic for Arrhythmogenic right ventricular dysplasia 8. Last evaluated: 2021-05-06. Review status: criteria provided, single submitter. Criteria: ACMG Guidelines, 2015. Collection method: clinical testing. Allele origin: germline. Inheritance: Autosomal dominant inheritance.
Comment: Based on the classification scheme VCGS_Germline_v1.3.4, this variant is classified as Pathogenic. Following criteria are met: 0102 - Loss of function is a known mechanism of disease in this gene and is associated with arrhythmogenic right ventricular dysplasia 8 (MIM#607450) and other DSP-related cardiac disorders (OMIM). (I) 0108 - This gene is associated with both recessive and dominant disease. Variants in this gene are usually inherited in a dominant manner, however rare reports of recessive inheritance have resulted in a more severe cardiac phenotype (OMIM). (I) 0115 - Variants in this gene are known to have variable expressivity (PMID: 29062697). (I) 0205 - Variant is predicted to result in a truncated protein (premature termination codon is NOT located at least 54 nucleotides upstream of the final exon-exon junction) with less than 1/3 of the protein sequence affected. (SP) 0251 - This variant is heterozygous. (I) 0302 - Variant is present in gnomAD (v2) <0.001 for a condition (13 heterozygotes, 0 homozygotes). (SP) 0601 - Variant results in the loss of the well-established functional C-terminal EGFP, PRD2/B and PRD3/C domains (PMID: 30354334). (SP) 0701 - Other protein truncating variants comparable to the one identified in this case have very strong previous evidence for pathogenicity. These variants have been reported as pathogenic, and observed in individuals with arrhythmogenic right ventricular dysplasia (ARVC) and dilated cardiomyopathy (DCM) (Decipher, ClinVar). (SP) 0801 - This variant has strong previous evidence of pathogenicity in unrelated individuals. This variant has been described as likely pathogenic (ClinVar) and as a founder variant within the Finnish population. It has been observed in multiple heterozygous individuals with DCM, arrhythmogenic cardiomyopathy and sudden cardiac death (PMID: 32005173). It has also been found in two compound heterozygous children with DCM, woolly hair and keratoderma (PMID: 19924139, PMID: 24341478). (SP) 1007 - No published functional evidence has been identified for this variant. (I) 1208 - Inheritance information for this variant is not currently available in this individual. (I) Legend: (SP) - Supporting pathogenic, (I) - Information, (SB) - Supporting benign

OMIM
Classification: Pathogenic for CARDIOMYOPATHY, DILATED, WITH WOOLLY HAIR AND KERATODERMA. Last evaluated: 2023-06-12. Review status: no assertion criteria provided. Collection method: literature only. Allele origin: germline. Not counted in ClinVar's aggregate classification.

Literature cited by the submitters: PubMed 19924139 (cited by 4 submitters); PubMed 24341478 (cited by 5 submitters); PubMed 26084686 (cited by Ambry Genetics and Color Diagnostics, LLC DBA Color Health); PubMed 32005173 (cited by 3 submitters); PubMed 35653365 (cited by Labcorp Genetics (formerly Invitae), Labcorp); PubMed 29062697 (cited by Victorian Clinical Genetics Services, Murdoch Childrens Research Institute); PubMed 30354334 (cited by Victorian Clinical Genetics Services, Murdoch Childrens Research Institute).